The following is an entry in ClinVar:

NM_001267550.2(TTN):c.45673G>A (p.Val15225Ile)

Gene: TTN (titin; minus strand). Cytogenetic location: 2q31.2.
Variant type: single nucleotide variant.
Coding change: c.45673G>A on transcript NM_001267550.2 (MANE Select); coding-DNA position 45673, G replaced by A.
Protein change: p.Val15225Ile; replaces valine 15225 with isoleucine.
Molecular consequence: missense variant.
Genome position (GRCh38, 1-based): chr2:178,620,937, C>T on the plus strand (G>A on the coding strand, the complement: TTN is on the minus strand). VCF-style: chr2-178620937-C-T. GRCh37 (hg19) VCF-style: chr2-179485664-C-T.
Other names: c.40750G>A, p.Val13584Ile (NM_001256850.1); c.18478G>A, p.Val6160Ile (NM_003319.4); c.37969G>A, p.Val12657Ile (NM_133378.4); c.18853G>A, p.Val6285Ile (NM_133432.3); c.19054G>A, p.Val6352Ile (NM_133437.4); short protein forms V12657I, V6352I, V15225I, V6285I, V13584I, V6160I.
Identifiers: ClinVar variation 682458 (VCV000682458.3), dbSNP rs757519339, ClinGen allele CA1995383.

ClinVar aggregate classification (germline): Conflicting classifications of pathogenicity. Review status: criteria provided, conflicting classifications (1 of 4 stars). 3 submissions from 3 submitters: Uncertain significance (2); Likely benign (1). Last evaluated 2025-06-19.

Allele frequency attached by ClinVar (database versions not stated): TOPMed below 0.00001; ExAC 0.00003; gnomAD exomes 0.00001; gnomAD 0.00001.
gnomAD v4.1: 2 of 1,612,294 alleles (0.00012%); highest among the groups gnomAD compares: Non-Finnish European, 0.00017%; no homozygotes.

Submissions (3):

Women's Health and Genetics/Laboratory Corporation of America, LabCorp
Classification: Uncertain significance. Last evaluated: 2025-06-19. Review status: criteria provided, single submitter. Criteria: LabCorp Variant Classification Summary - May 2015. Collection method: clinical testing. Allele origin: germline.
Comment: Variant summary: TTN c.37969G>A (p.Val12657Ile) results in a conservative amino acid change in the encoded protein sequence. Algorithms developed to predict the effect of missense changes on protein structure and function all suggest that this variant is likely to be tolerated. The variant allele was found at a frequency of 8.1e-06 in 247130 control chromosomes. The available data on variant occurrences in the general population are insufficient to allow any conclusion about variant significance. To our knowledge, no occurrence of c.37969G>A in individuals affected with Autosomal Recessive Titinopathy and no experimental evidence demonstrating its impact on protein function have been reported. ClinVar contains an entry for this variant (Variation ID: 682458). Based on the evidence outlined above, the variant was classified as uncertain significance.

Revvity Omics, Revvity
Classification: Uncertain significance. Last evaluated: 2023-10-31. Review status: criteria provided, single submitter. Criteria: ACMG Guidelines, 2015. Collection method: clinical testing. Allele origin: germline.

GeneDx
Classification: Likely benign. Last evaluated: 2018-04-23. Review status: criteria provided, single submitter. Criteria: GeneDx Variant Classification (06012015). Collection method: clinical testing. Allele origin: germline. Affected: yes.
Comment: This variant is considered likely benign or benign based on one or more of the following criteria: it is a conservative change, it occurs at a poorly conserved position in the protein, it is predicted to be benign by multiple in silico algorithms, and/or has population frequency not consistent with disease.